The following is an entry in ClinVar:

ClinVar aggregate classification (germline): Uncertain significance (1 of 4 stars; one submission).

Conditions:
Peroxisome biogenesis disorder 12A (Zellweger). Also called: Peroxisome biogenesis disorder 12A. Identifiers: Orphanet 912, MedGen C3554002, MONDO:0013951, OMIM 614886.

Allele frequency attached by ClinVar (database versions not stated): gnomAD exomes below 0.00001.

Submission:

Labcorp Genetics (formerly Invitae), Labcorp
Classification: Uncertain significance for Peroxisome biogenesis disorder 12A (Zellweger). Last evaluated: 2022-06-14. Review status: criteria provided, single submitter. Criteria: Invitae Variant Classification Sherloc (09022015). Collection method: clinical testing. Allele origin: germline.
Comment: This variant has not been reported in the literature in individuals affected with PEX19-related conditions. In summary, the available evidence is currently insufficient to determine the role of this variant in disease. Therefore, it has been classified as a Variant of Uncertain Significance. Algorithms developed to predict the effect of missense changes on protein structure and function (SIFT, PolyPhen-2, Align-GVGD) all suggest that this variant is likely to be disruptive. This variant is not present in population databases (gnomAD no frequency). This sequence change replaces methionine, which is neutral and non-polar, with threonine, which is neutral and polar, at codon 175 of the PEX19 protein (p.Met175Thr).

NM_002857.4(PEX19):c.524T>C (p.Met175Thr)

Gene: PEX19 (peroxisomal biogenesis factor 19; minus strand). Cytogenetic location: 1q23.2.
Variant type: single nucleotide variant.
Coding change: c.524T>C on transcript NM_002857.4 (MANE Select); coding-DNA position 524, T replaced by C.
Protein change: p.Met175Thr; replaces methionine 175 with threonine.
Molecular consequence: missense variant. On other transcripts: non-coding transcript variant (2).
Genome position (GRCh38, 1-based): chr1:160,282,109, A>G on the plus strand (T>C on the coding strand, the complement: PEX19 is on the minus strand). VCF-style: chr1-160282109-A-G. GRCh37 (hg19) VCF-style: chr1-160251899-A-G.
Other names: c.524T>C, p.Met175Thr (NM_001193644.1); short protein forms M175T.
Identifiers: ClinVar variation 2006145 (VCV002006145.4), dbSNP rs2525311190, ClinGen allele CA343260205.